The following is an entry in ClinVar:

ClinVar aggregate classification (germline): Likely benign (1 of 4 stars; one submission).

gnomAD v4.1: 140 of 1,612,700 alleles (0.0087%); highest among the groups gnomAD compares: Admixed American, 0.23%; no homozygotes.

Submission:

CeGaT Center for Human Genetics Tuebingen
Classification: Likely benign. Last evaluated: 2026-06-01. Review status: criteria provided, single submitter. Criteria: CeGaT Center For Human Genetics Tuebingen Variant Classification Criteria Version 2. Collection method: clinical testing. Allele origin: germline. Affected: yes. Observed: 5 variant alleles.
Comment: RSRC1: BP4, BP7

NM_001271838.2(RSRC1):c.330A>G (p.Ser110=)

Gene: RSRC1 (arginine and serine rich coiled-coil 1; plus strand). Cytogenetic location: 3q25.32.
Variant type: single nucleotide variant.
Coding change: c.330A>G on transcript NM_001271838.2 (MANE Select); coding-DNA position 330, A replaced by G.
Protein change: p.Ser110=; no amino-acid change (serine 110 retained).
Molecular consequence: synonymous variant. On other transcripts: intron variant (1).
Genome position (GRCh38, 1-based): chr3:158,203,081, A>G. VCF-style: chr3-158203081-A-G. GRCh37 (hg19) VCF-style: chr3-157920870-A-G.
Other names: c.330A>G, p.Ser110= (NM_016625.4); c.320+79090A>G (NM_001271834.2).
Identifiers: ClinVar variation 4535005 (VCV004535005.6).